The following is an entry in ClinVar:

ClinVar aggregate classification (germline): Likely pathogenic (1 of 4 stars; one submission).

Conditions:
Wilson disease (WND). Also called: Wilson's disease. Identifiers: Orphanet 905, MedGen C0019202, MONDO:0010200, OMIM 277900. Disease mechanism: loss of function.

Submission:

Myriad Genetics, Inc.
Classification: Likely pathogenic for Wilson disease. Last evaluated: 2022-04-01. Review status: criteria provided, single submitter. Criteria: Myriad Women's Health Autosomal Recessive and X-Linked Classification Criteria (2021). Collection method: clinical testing. Allele origin: unknown.
Comment: NM_000053.3(ATP7B):c.2964delG(L989Wfs*33) is expected to be pathogenic in the context of Wilson disease. This variant is predicted to lead to an abnormal or absent protein product due to the creation of a premature termination codon in ATP7B, a gene where loss-of-function variants are known to be pathogenic. Please note: this variant was assessed in the context of healthy population screening.

NM_000053.4(ATP7B):c.2964del (p.Leu989fs)

Gene: ATP7B (ATPase copper transporting beta; minus strand). Cytogenetic location: 13q14.3.
Variant type: Deletion.
Coding change: c.2964del on transcript NM_000053.4 (MANE Select); coding-DNA position 2964, one base deleted (G; older notation c.2964delG).
Protein change: p.Leu989fs; shifts the reading frame from leucine 989.
Molecular consequence: frameshift variant.
Genome position (GRCh38, 1-based): chr13:51,946,380, C deleted on the plus strand (G on the coding strand, the reverse complement: ATP7B is on the minus strand); the first of 4 consecutive C bases (chr13:51,946,380-51,946,383); deleting any one gives the same sequence. VCF-style (leftmost placement, unchanged base first): chr13-51946379-GC-G. GRCh37 (hg19) VCF-style: chr13-52520515-GC-G.
Other names: c.2961delG, p.Leu989Trpfs (NM_001406511.1, NM_001406512.1, NM_001406513.1 and 2 more transcripts); c.2928delG, p.Leu978Trpfs (NM_001406514.1); c.2907delG, p.Leu971Trpfs (NM_001406515.1, NM_001406516.1); c.2865delG, p.Leu957Trpfs (NM_001406517.1, NM_001406518.1); c.2826delG, p.Leu944Trpfs (NM_001406519.1); c.2817delG, p.Leu941Trpfs (NM_001406520.1, NM_001406521.1, NM_001406522.1); c.2784delG, p.Leu930Trpfs (NM_001406524.1); c.2727delG, p.Leu911Trpfs (NM_001406527.1, NM_001406528.1, NM_001406538.1); and 14 more; short protein forms L782fs, L878fs, L905fs, L911fs, L989fs.
Identifiers: ClinVar variation 1725785 (VCV001725785.2), dbSNP rs2547646750, ClinGen allele CA2580087666.
Genomic context (GRCh38, chr13:51,946,379, plus strand): 5'-TGAGGATGCCGTTCTGCGCGGCCACCCCGGTGCCCACCATGACAGCCGTGGGCGTGGCCA[GC>G]CCCAGGGAGCAGGGGCAGGCAATGCACAGCACCGTGATGGACGTCTGGAAAGCAAACCGG-3'